The following is an entry in ClinVar:

ClinVar aggregate classification (germline): Uncertain significance (1 of 4 stars; one submission).

Conditions:
DICER1-related tumor predisposition. Also called: DICER1 syndrome; DICER1-related pleuropulmonary blastoma cancer predisposition syndrome. Identifiers: Orphanet 284343, MedGen C3839822, MONDO:0100216.

Submission:

Labcorp Genetics (formerly Invitae), Labcorp
Classification: Uncertain significance for DICER1-related tumor predisposition. Last evaluated: 2020-04-24. Review status: criteria provided, single submitter. Criteria: Invitae Variant Classification Sherloc (09022015). Collection method: clinical testing. Allele origin: germline.
Comment: Algorithms developed to predict the effect of missense changes on protein structure and function (SIFT, PolyPhen-2, Align-GVGD) all suggest that this variant is likely to be disruptive, but these predictions have not been confirmed by published functional studies and their clinical significance is uncertain. In summary, the available evidence is currently insufficient to determine the role of this variant in disease. Therefore, it has been classified as a Variant of Uncertain Significance. Algorithms developed to predict the effect of sequence changes on RNA splicing suggest that this variant may create or strengthen a splice site, but this prediction has not been confirmed by published transcriptional studies. This variant has not been reported in the literature in individuals with DICER1-related conditions. This variant is not present in population databases (ExAC no frequency). This sequence change replaces proline with alanine at codon 880 of the DICER1 protein (p.Pro880Ala). The proline residue is highly conserved and there is a small physicochemical difference between proline and alanine.

NM_177438.3(DICER1):c.2638C>G (p.Pro880Ala)

Gene: DICER1 (dicer 1, ribonuclease III; minus strand). Cytogenetic location: 14q32.13.
Variant type: single nucleotide variant.
Coding change: c.2638C>G on transcript NM_177438.3 (MANE Select); coding-DNA position 2638, C replaced by G.
Protein change: p.Pro880Ala; replaces proline 880 with alanine.
Molecular consequence: missense variant.
Genome position (GRCh38, 1-based): chr14:95,107,892, G>C on the plus strand (C>G on the coding strand, the complement: DICER1 is on the minus strand). VCF-style: chr14-95107892-G-C. GRCh37 (hg19) VCF-style: chr14-95574229-G-C.
Other names: c.2638C>G, p.Pro880Ala (NM_001195573.1, NM_001271282.3, NM_001291628.2 and 1 more transcripts); short protein forms P880A.
Identifiers: ClinVar variation 1039569 (VCV001039569.10), dbSNP rs1891587886, ClinGen allele CA390881148.